The following is an entry in ClinVar:

ClinVar aggregate classification (germline): Uncertain significance (1 of 4 stars; one submission).

Conditions:
Brachyolmia-amelogenesis imperfecta syndrome. Also called: PLATYSPONDYLY WITH AMELOGENESIS IMPERFECTA; Tooth agenesis, selective, 6; Dental anomalies and short stature. Identifiers: Orphanet 2899, MedGen C1832594, MONDO:0011018, OMIM 601216. Disease mechanism: loss of function.

Allele frequency attached by ClinVar (database versions not stated): ExAC 0.00001; gnomAD 0.00001; TOPMed 0.00002.
gnomAD v4.1: 2 of 1,612,376 alleles (0.00012%); highest among the groups gnomAD compares: African/African-American, 0.0027%; no homozygotes.

Submission:

Labcorp Genetics (formerly Invitae), Labcorp
Classification: Uncertain significance for Brachyolmia-amelogenesis imperfecta syndrome. Last evaluated: 2023-06-06. Review status: criteria provided, single submitter. Criteria: Invitae Variant Classification Sherloc (09022015). Collection method: clinical testing. Allele origin: germline.
Comment: This variant is present in population databases (rs777144730, gnomAD 0.008%). This sequence change replaces proline, which is neutral and non-polar, with alanine, which is neutral and non-polar, at codon 1207 of the LTBP3 protein (p.Pro1207Ala). This variant has not been reported in the literature in individuals affected with LTBP3-related conditions. Algorithms developed to predict the effect of missense changes on protein structure and function output the following: SIFT: "Not Available"; PolyPhen-2: "Benign"; Align-GVGD: "Not Available". The alanine amino acid residue is found in multiple mammalian species, which suggests that this missense change does not adversely affect protein function. In summary, the available evidence is currently insufficient to determine the role of this variant in disease. Therefore, it has been classified as a Variant of Uncertain Significance.

NM_001130144.3(LTBP3):c.3619C>G (p.Pro1207Ala)

Gene: LTBP3 (latent transforming growth factor beta binding protein 3; minus strand). Cytogenetic location: 11q13.1.
Variant type: single nucleotide variant.
Coding change: c.3619C>G on transcript NM_001130144.3 (MANE Select); coding-DNA position 3619, C replaced by G.
Protein change: p.Pro1207Ala; replaces proline 1207 with alanine.
Molecular consequence: missense variant.
Genome position (GRCh38, 1-based): chr11:65,539,557, G>C on the plus strand (C>G on the coding strand, the complement: LTBP3 is on the minus strand). VCF-style: chr11-65539557-G-C. GRCh37 (hg19) VCF-style: chr11-65307028-G-C.
Other names: c.3127C>G, p.Pro1043Ala (NM_001164266.1); c.3478C>G, p.Pro1160Ala (NM_021070.4); short protein forms P1043A, P1207A, P1160A.
Identifiers: ClinVar variation 2806904 (VCV002806904.3), dbSNP rs777144730, ClinGen allele CA6100229.